The following is an entry in ClinVar:

NM_001164508.2(NEB):c.82del (p.Thr27_Ile28insTer)

Gene: NEB (nebulin; minus strand). Cytogenetic location: 2q23.3.
Variant type: Deletion.
Coding change: c.82del on transcript NM_001164508.2 (MANE Select); coding-DNA position 82, one base deleted (A; older notation c.82delA).
Protein change: p.Thr27_Ile28insTer.
Molecular consequence: nonsense. On other transcripts: frameshift variant (1).
Genome position (GRCh38, 1-based): chr2:151,727,903, T deleted on the plus strand (A on the coding strand, the reverse complement: NEB is on the minus strand); the first of 2 consecutive T bases (chr2:151,727,903-151,727,904); deleting either gives the same sequence. VCF-style (leftmost placement, unchanged base first): chr2-151727902-AT-A. GRCh37 (hg19) VCF-style: chr2-152584416-AT-A.
Other names: c.82del, p.Thr27_Ile28insTer (NM_001164507.2, NM_001271208.2, NM_004543.5); c.81delA, p.Ile28Terfs (NM_001271208.1); c.82del (NM_001271208.1).
Identifiers: ClinVar variation 3669746 (VCV003669746.5).
Genomic context (GRCh38, chr2:151,727,902, plus strand): 5'-GAAGTTTCTGATTGCTCATAGTCAGATGTCCTTGTTGTCGTAGTCTCATAAATTTTTGTT[AT>A]TGTCTGAAAATTTGATATGCAGTTCAACATTGTTGTGAAAGTAAAAACTGTGCTACTGTG-3'

ClinVar aggregate classification (germline): Pathogenic/Likely pathogenic. Review status: criteria provided, multiple submitters, no conflicts (2 of 4 stars). 3 submissions from 3 submitters: Pathogenic (1); Likely pathogenic (2). Last evaluated 2025-05-19.

Conditions:
NEB-related disorder. Also called: NEB-Related Disorders; NEB-related condition.
Nemaline myopathy 2 (NEM2). Also called: Nemaline myopathy 2, autosomal recessive. Identifiers: MedGen C1850569, MONDO:0009725, OMIM 256030.

Submissions (3):

Natera, Inc.
Classification: Likely pathogenic for Nemaline myopathy type 2. Last evaluated: 2025-05-19. Review status: criteria provided, single submitter. Criteria: Natera Variant Classification Schema (03/2026). Collection method: clinical testing. Allele origin: germline.
Comment: The c.82del variant in NEB is a frameshift variant predicted to shift the reading frame and introduce a stop codon. This variant is expected to result in nonsense mediated decay, truncation, or a dysfunctional protein product. This variant is rare in the general population with a frequency below the threshold expected for the associated phenotype(s). Given the available evidence, this variant is classified as Likely Pathogenic.

Labcorp Genetics (formerly Invitae), Labcorp
Classification: Pathogenic for Nemaline myopathy 2. Last evaluated: 2024-02-02. Review status: criteria provided, single submitter. Criteria: Invitae Variant Classification Sherloc (09022015). Collection method: clinical testing. Allele origin: germline.
Comment: This sequence change creates a premature translational stop signal (p.Ile28*) in the NEB gene. It is expected to result in an absent or disrupted protein product. Loss-of-function variants in NEB are known to be pathogenic (PMID: 25205138). This variant is not present in population databases (gnomAD no frequency). This variant has not been reported in the literature in individuals affected with NEB-related conditions. For these reasons, this variant has been classified as Pathogenic.

Blueprint Genetics
Classification: Likely pathogenic for NEB-related disorders. Last evaluated: 2021-09-20. Review status: criteria provided, single submitter. Criteria: ACMG Guidelines, 2015. Collection method: clinical testing. Allele origin: germline. Affected: yes. Observed: 1 variant allele.

Literature cited by the submitters: PubMed 25205138 (cited by Labcorp Genetics (formerly Invitae), Labcorp).